The following is an entry in ClinVar:

NM_024529.5(CDC73):c.301G>A (p.Glu101Lys)

Gene: CDC73 (cell division cycle 73; plus strand). Cytogenetic location: 1q31.2.
Variant type: single nucleotide variant.
Coding change: c.301G>A on transcript NM_024529.5 (MANE Select); coding-DNA position 301, G replaced by A.
Protein change: p.Glu101Lys; replaces glutamic acid 101 with lysine.
Molecular consequence: missense variant.
Genome position (GRCh38, 1-based): chr1:193,130,237, G>A. VCF-style: chr1-193130237-G-A. GRCh37 (hg19) VCF-style: chr1-193099367-G-A.
Other names: short protein forms E101K.
Identifiers: ClinVar variation 1506388 (VCV001506388.8), dbSNP rs772376553, ClinGen allele CA1303305.

ClinVar aggregate classification (germline): Uncertain significance (1 of 4 stars; one submission).

Conditions:
Parathyroid carcinoma (PRTC). Also called: CDC73-Related Parathyroid Carcinoma; Parathyroid gland carcinoma. Identifiers: Orphanet 143, MedGen C0687150, MONDO:0012004, OMIM 608266, HP:0006780.

Allele frequency attached by ClinVar (database versions not stated): gnomAD exomes below 0.00001; ExAC 0.00001.
gnomAD v4.1: 1 of 1,566,486 alleles (0.000064%); highest among the groups gnomAD compares: Non-Finnish European, 0.000088%; no homozygotes.

Submission:

Labcorp Genetics (formerly Invitae), Labcorp
Classification: Uncertain significance for Parathyroid carcinoma. Last evaluated: 2024-04-30. Review status: criteria provided, single submitter. Criteria: Invitae Variant Classification Sherloc (09022015). Collection method: clinical testing. Allele origin: germline.
Comment: This sequence change replaces glutamic acid, which is acidic and polar, with lysine, which is basic and polar, at codon 101 of the CDC73 protein (p.Glu101Lys). This variant is present in population databases (rs772376553, gnomAD 0.0009%). This variant has not been reported in the literature in individuals affected with CDC73-related conditions. ClinVar contains an entry for this variant (Variation ID: 1506388). Advanced modeling of protein sequence and biophysical properties (such as structural, functional, and spatial information, amino acid conservation, physicochemical variation, residue mobility, and thermodynamic stability) performed at Invitae indicates that this missense variant is not expected to disrupt CDC73 protein function with a negative predictive value of 80%. In summary, the available evidence is currently insufficient to determine the role of this variant in disease. Therefore, it has been classified as a Variant of Uncertain Significance.